The following is an entry in ClinVar:

ClinVar aggregate classification (germline): Pathogenic/Likely pathogenic. Review status: criteria provided, multiple submitters, no conflicts (2 of 4 stars). 3 submissions from 3 submitters: Pathogenic (1); Likely pathogenic (1). 1 of the submissions does not count toward it. Last evaluated 2019-09-27.

Conditions:
PURA Syndrome. Identifiers: MedGen C4708498.
PURA-related severe neonatal hypotonia-seizures-encephalopathy syndrome (NEDRIHF). Also called: NEURODEVELOPMENTAL DISORDER WITH NEONATAL RESPIRATORY INSUFFICIENCY, HYPOTONIA, AND FEEDING DIFFICULTIES; PURA-Related Neurodevelopmental Disorders. Identifiers: Orphanet 438213, Orphanet 438216, MedGen C4015357, MONDO:1060108, OMIM 616158, MONDO:0018580.

Submissions (3):

Labcorp Genetics (formerly Invitae), Labcorp
Classification: Pathogenic for PURA-related severe neonatal hypotonia-seizures-encephalopathy syndrome. Last evaluated: 2019-09-27. Review status: criteria provided, single submitter. Criteria: Invitae Variant Classification Sherloc (09022015). Collection method: clinical testing. Allele origin: germline.
Comment: This variant is not present in population databases (ExAC no frequency). This variant has been observed in individual(s) with clinical features of PURA-related conditions (PMID: Invitae). In at least one individual the variant was observed to be de novo. For these reasons, this variant has been classified as Pathogenic. This sequence change results in a premature translational stop signal in the PURA gene (p.Tyr240*). While this is not anticipated to result in nonsense mediated decay, it is expected to disrupt the last 83 amino acids of the PURA protein.

Laboratorio de Genetica e Diagnostico Molecular, Hospital Israelita Albert Einstein
Classification: Likely pathogenic. Last evaluated: 2019-08-21. Review status: criteria provided, single submitter. Criteria: ACMG Guidelines, 2015. Collection method: clinical testing. Allele origin: germline. Affected: yes.
Comment: ACMG classification criteria: PVS1, PM2

Obstetrics & Gynecology, Peking Union Medical College Hospital
Classification: Pathogenic for PURA Syndrome. Review status: no assertion criteria provided. Collection method: clinical testing. Allele origin: de novo. Inheritance: Autosomal dominant inheritance. Affected: yes. Observed: 1 heterozygote. Not counted in ClinVar's aggregate classification.

Literature cited by the submitters: PubMed 29097605 (cited by Obstetrics & Gynecology, Peking Union Medical College Hospital); PubMed 36376392 (cited by Obstetrics & Gynecology, Peking Union Medical College Hospital).

NM_005859.5(PURA):c.720C>G (p.Tyr240Ter)

Gene: PURA (purine rich element binding protein A; plus strand). Cytogenetic location: 5q31.3.
Variant type: single nucleotide variant.
Coding change: c.720C>G on transcript NM_005859.5 (MANE Select); coding-DNA position 720, C replaced by G.
Protein change: p.Tyr240Ter; replaces tyrosine 240 with a stop codon.
Molecular consequence: nonsense.
Genome position (GRCh38, 1-based): chr5:140,114,901, C>G. VCF-style: chr5-140114901-C-G. GRCh37 (hg19) VCF-style: chr5-139494486-C-G.
Other names: short protein forms Y240*.
Identifiers: ClinVar variation 959604 (VCV000959604.13), dbSNP rs1763053854, ClinGen allele CA361491392.
Genomic context (GRCh38, chr5:140,114,901, plus strand): 5'-GGGCACCTCCTTGACTGTGGACAACAAGCGCTTCTTCTTCGATGTGGGCTCCAACAAGTA[C>G]GGCGTGTTTATGCGAGTGAGCGAGGTGAAGCCCACCTATCGCAACTCCATCACCGTGCCC-3'